The following is an entry in ClinVar:

NM_001172509.2(SATB2):c.955C>T (p.Gln319Ter)

Gene: SATB2 (SATB homeobox 2; minus strand). Cytogenetic location: 2q33.1.
Variant type: single nucleotide variant.
Coding change: c.955C>T on transcript NM_001172509.2 (MANE Select); coding-DNA position 955, C replaced by T.
Protein change: p.Gln319Ter; replaces glutamine 319 with a stop codon.
Molecular consequence: nonsense.
Genome position (GRCh38, 1-based): chr2:199,348,919, G>A on the plus strand (C>T on the coding strand, the complement: SATB2 is on the minus strand). VCF-style: chr2-199348919-G-A. GRCh37 (hg19) VCF-style: chr2-200213642-G-A.
Other names: c.955C>T, p.Gln319Ter (NM_001172517.1, NM_015265.4); short protein forms Q319*.
Identifiers: ClinVar variation 2444158 (VCV002444158.1), dbSNP rs2468896854, ClinGen allele CA350387763.

ClinVar aggregate classification (germline): Likely pathogenic (1 of 4 stars; one submission).

Conditions:
Chromosome 2q32-q33 deletion syndrome (GLASS). Also called: Glass syndrome; 2q33.1 deletion syndrome. Identifiers: Orphanet 251019, MedGen C2676739, MONDO:0012864, OMIM 612313.

Submission:

3billion
Classification: Likely pathogenic for Chromosome 2q32-q33 deletion syndrome. Last evaluated: 2023-02-23. Review status: criteria provided, single submitter. Criteria: ACMG Guidelines, 2015. Collection method: clinical testing. Allele origin: unknown. Affected: yes.
Comment: The variant is not observed in the gnomAD v2.1.1 dataset. This variant was predicted to result in a loss or disruption of normal protein function through nonsense-mediated decay (NMD) or protein truncation. Multiple pathogenic variants are reported downstream of the variant. Therefore, this variant is classified as Likely pathogenic according to the recommendation of ACMG/AMP guideline.